The following is an entry in ClinVar:

ClinVar aggregate classification (germline): Uncertain significance. Review status: criteria provided, multiple submitters, no conflicts (2 of 4 stars). 2 submissions from 2 submitters: Uncertain significance (2). Last evaluated 2026-03-08.

Conditions:
Mowat-Wilson syndrome (MOWS). Also called: Classic Mowat-Wilson Syndrome. Identifiers: Orphanet 2152, MedGen C1856113, MONDO:0009341, OMIM 235730.
ZEB2-related disorder. Also called: ZEB2-related condition.

Submissions (2):

PreventionGenetics, part of Exact Sciences
Classification: Uncertain significance for ZEB2-related condition. Last evaluated: 2026-03-08. Review status: criteria provided, single submitter. Criteria: ACMG Guidelines, 2015. Collection method: clinical testing. Allele origin: germline.
Comment: The ZEB2 c.2553_2555delCTC variant is predicted to result in an in-frame deletion (p.Ser853del). To our knowledge, this variant has not been reported in the literature or in a large population database (gnomAD), indicating this variant is rare. At this time, the clinical significance of this variant is uncertain due to the absence of conclusive functional and genetic evidence.

Labcorp Genetics (formerly Invitae), Labcorp
Classification: Uncertain significance for Mowat-Wilson syndrome. Last evaluated: 2023-09-25. Review status: criteria provided, single submitter. Criteria: Invitae Variant Classification Sherloc (09022015). Collection method: clinical testing. Allele origin: germline.
Comment: In summary, the available evidence is currently insufficient to determine the role of this variant in disease. Therefore, it has been classified as a Variant of Uncertain Significance. Experimental studies and prediction algorithms are not available or were not evaluated, and the functional significance of this variant is currently unknown. This variant has not been reported in the literature in individuals affected with ZEB2-related conditions. This variant is not present in population databases (gnomAD no frequency). This variant, c.2553_2555del, results in the deletion of 1 amino acid(s) of the ZEB2 protein (p.Ser853del), but otherwise preserves the integrity of the reading frame.

NM_014795.4(ZEB2):c.2553_2555del (p.Ser853del)

Gene: ZEB2 (zinc finger E-box binding homeobox 2; minus strand). Cytogenetic location: 2q22.3.
Variant type: Deletion.
Coding change: c.2553_2555del on transcript NM_014795.4 (MANE Select); coding-DNA positions 2553 to 2555, 3 bases deleted (CTC; older notation c.2553_2555delCTC).
Protein change: p.Ser853del; deletes serine 853.
Molecular consequence: inframe deletion.
Genome position (GRCh38, 1-based): chr2:144,398,632-144,398,634, GAG deleted on the plus strand (CTC on the coding strand, the reverse complement: ZEB2 is on the minus strand); deleting any 3 consecutive bases within chr2:144,398,632-144,398,636 gives the same sequence; the c. name uses the placement nearest the transcript's 3' end. VCF-style (leftmost placement, unchanged base first): chr2-144398631-TGAG-T. GRCh37 (hg19) VCF-style: chr2-145156198-TGAG-T.
Other names: c.2481_2483del, p.Ser829del (NM_001171653.2); c.2553_2555delCTC (NM_014795.3); short protein forms S829del, S853del.
Identifiers: ClinVar variation 2857518 (VCV002857518.4), dbSNP rs1703262922, ClinGen allele CA1294884968.